The following is an entry in ClinVar:

NM_000334.4(SCN4A):c.3958T>C (p.Tyr1320His)

Genes: GH-LCR (growth hormone locus control region; plus strand), SCN4A (sodium voltage-gated channel alpha subunit 4; minus strand). Cytogenetic location: 17q23.3.
Variant type: single nucleotide variant.
Coding change: c.3958T>C on transcript NM_000334.4 (MANE Select); coding-DNA position 3958, T replaced by C.
Protein change: p.Tyr1320His; replaces tyrosine 1320 with histidine.
Molecular consequence: missense variant.
Genome position (GRCh38, 1-based): chr17:63,943,805, A>G on the plus strand (T>C on the coding strand, the complement: SCN4A is on the minus strand). VCF-style: chr17-63943805-A-G. GRCh37 (hg19) VCF-style: chr17-62021165-A-G.
Other names: short protein forms Y1320H.
Identifiers: ClinVar variation 3669709 (VCV003669709.3).

ClinVar aggregate classification (germline): Uncertain significance. Review status: criteria provided, multiple submitters, no conflicts (2 of 4 stars). 2 submissions from 2 submitters: Uncertain significance (2). Last evaluated 2024-10-03.

Conditions:
Hyperkalemic periodic paralysis. Also called: Familial hyperkalemic periodic paralysis; Gamstorp disease. Identifiers: Orphanet 682, MedGen C0238357, MONDO:0008224, OMIM 170500, HP:0007215.

Submissions (2):

GeneDx
Classification: Uncertain significance. Last evaluated: 2024-10-03. Review status: criteria provided, single submitter. Criteria: GeneDx Variant Classification Process June 2021. Collection method: clinical testing. Allele origin: germline. Affected: yes.
Comment: Not observed at significant frequency in large population cohorts (gnomAD); In silico analysis supports that this missense variant has a deleterious effect on protein structure/function; Has not been previously published as pathogenic or benign to our knowledge

Labcorp Genetics (formerly Invitae), Labcorp
Classification: Uncertain significance for Hyperkalemic periodic paralysis. Last evaluated: 2024-03-21. Review status: criteria provided, single submitter. Criteria: Invitae Variant Classification Sherloc (09022015). Collection method: clinical testing. Allele origin: germline.
Comment: This sequence change replaces tyrosine, which is neutral and polar, with histidine, which is basic and polar, at codon 1320 of the SCN4A protein (p.Tyr1320His). This variant is not present in population databases (gnomAD no frequency). This variant has not been reported in the literature in individuals affected with SCN4A-related conditions. Advanced modeling of protein sequence and biophysical properties (such as structural, functional, and spatial information, amino acid conservation, physicochemical variation, residue mobility, and thermodynamic stability) performed at Invitae indicates that this missense variant is not expected to disrupt SCN4A protein function with a negative predictive value of 80%. In summary, the available evidence is currently insufficient to determine the role of this variant in disease. Therefore, it has been classified as a Variant of Uncertain Significance.